The following is an entry in ClinVar:

ClinVar aggregate classification (germline): Uncertain significance (1 of 4 stars; one submission).

Submission:

Labcorp Genetics (formerly Invitae), Labcorp
Classification: Uncertain significance. Last evaluated: 2022-09-07. Review status: criteria provided, single submitter. Criteria: Invitae Variant Classification Sherloc (09022015). Collection method: clinical testing. Allele origin: germline.
Comment: This variant has not been reported in the literature in individuals affected with ZNF687-related conditions. This variant is not present in population databases (gnomAD no frequency). This sequence change creates a premature translational stop signal (p.Arg1013Serfs*2) in the ZNF687 gene. It is expected to result in an absent or disrupted protein product. However, the current clinical and genetic evidence is not sufficient to establish whether loss-of-function variants in ZNF687 cause disease. In summary, the available evidence is currently insufficient to determine the role of this variant in disease. Therefore, it has been classified as a Variant of Uncertain Significance.

NM_020832.3(ZNF687):c.3039_3040del (p.Arg1013fs)

Gene: ZNF687 (zinc finger protein 687; plus strand). Cytogenetic location: 1q21.3.
Variant type: Microsatellite.
Coding change: c.3039_3040del on transcript NM_020832.3 (MANE Select); coding-DNA positions 3039 to 3040, 2 bases deleted (AG; older notation c.3039_3040delAG).
Protein change: p.Arg1013fs; shifts the reading frame from arginine 1013.
Molecular consequence: frameshift variant.
Genome position (GRCh38, 1-based): chr1:151,290,196-151,290,197, AG deleted; deleting any 2 consecutive bases within chr1:151,290,194-151,290,197 gives the same sequence; the c. name uses the placement nearest the transcript's 3' end. VCF-style (leftmost placement, unchanged base first): chr1-151290193-CAG-C. GRCh37 (hg19) VCF-style: chr1-151262669-CAG-C.
Other names: c.3039_3040del, p.Arg1013fs (NM_001304763.2, NM_001304764.2); short protein forms R1013fs.
Identifiers: ClinVar variation 1999549 (VCV001999549.4), dbSNP rs1694155672, ClinGen allele CA1007683138.